The following is an entry in ClinVar:

NM_001097577.3(ANG):c.174C>T (p.Gly58=)

Genes: ANG (angiogenin; plus strand), EGILA (EGFR interacting lncRNA; minus strand), RNASE4 (ribonuclease A family member 4; plus strand). Cytogenetic location: 14q11.2.
Variant type: single nucleotide variant.
Coding change: c.174C>T on transcript NM_001097577.3 (MANE Select); coding-DNA position 174, C replaced by T.
Protein change: p.Gly58=; no amino-acid change (glycine 58 retained).
Molecular consequence: synonymous variant. On other transcripts: non-coding transcript variant (1), intron variant (4).
Genome position (GRCh38, 1-based): chr14:20,693,738, C>T. VCF-style: chr14-20693738-C-T. GRCh37 (hg19) VCF-style: chr14-21161897-C-T.
Other names: c.174C>T, p.Gly58= (NM_001145.4, NM_001385271.1, NM_001385272.1 and 2 more transcripts); c.-18+88C>T (NM_001282192.2); c.-17-5617C>T (NM_002937.5, NM_001282193.2); c.-18+4864C>T (NM_194431.3).
Identifiers: ClinVar variation 3030978 (VCV003030978.2), dbSNP rs2502151829, ClinGen allele CA485452324.
Genomic context (GRCh38, chr14:20,693,738, plus strand): 5'-TGATGCCAAACCACAGGGCCGGGATGACAGATACTGTGAAAGCATCATGAGGAGACGGGG[C>T]CTGACCTCACCCTGCAAAGACATCAACACATTTATTCATGGCAACAAGCGCAGCATCAAG-3'
Protein context (NP_001091046.1, residues 48-68): RYCESIMRRR[Gly58=]LTSPCKDINT

ClinVar aggregate classification (germline): Likely benign (0 of 4 stars; one submission).

Conditions:
ANG-related disorder. Also called: ANG-related condition.

Submission:

PreventionGenetics, part of Exact Sciences
Classification: Likely benign for ANG-related condition. Last evaluated: 2024-01-11. Review status: no assertion criteria provided. Collection method: clinical testing. Allele origin: germline.
Comment: This variant is classified as likely benign based on ACMG/AMP sequence variant interpretation guidelines (Richards et al. 2015 PMID: 25741868, with internal and published modifications).